The following is an entry in ClinVar:

ClinVar aggregate classification (germline): Benign/Likely benign. Review status: criteria provided, multiple submitters, no conflicts (2 of 4 stars). 7 submissions from 7 submitters: Benign (5); Likely benign (2). Last evaluated 2026-01-25.

Conditions:
3-hydroxy-3-methylglutaryl-CoA synthase deficiency (HMGCS2D). Also called: HMG-CoA synthase-2 deficiency; HMGCS2 DEFICIENCY; MITOCHONDRIAL HMG-CoA SYNTHASE DEFICIENCY. Identifiers: Orphanet 35701, MedGen C2751532, MONDO:0011614, OMIM 605911.

Allele frequency attached by ClinVar (database versions not stated): 1000 Genomes Project 0.00200; 1000 Genomes Project 30x 0.00234; TOPMed 0.00470; ExAC 0.00499; gnomAD exomes 0.00511; gnomAD 0.00532 and 0.00546; ESP Exome Variant Server 0.00654.
gnomAD v4.1: 12,709 of 1,613,814 alleles (0.79%); highest among the groups gnomAD compares: Non-Finnish European, 0.96%; 64 homozygotes.

Submissions (7):

Labcorp Genetics (formerly Invitae), Labcorp
Classification: Benign for 3-hydroxy-3-methylglutaryl-CoA synthase deficiency. Last evaluated: 2026-01-25. Review status: criteria provided, single submitter. Criteria: Invitae Variant Classification Sherloc (09022015). Collection method: clinical testing. Allele origin: germline.

CeGaT Center for Human Genetics Tuebingen
Classification: Likely benign. Last evaluated: 2025-03-01. Review status: criteria provided, single submitter. Criteria: CeGaT Center For Human Genetics Tuebingen Variant Classification Criteria Version 2. Collection method: clinical testing. Allele origin: germline. Affected: yes. Observed: 5 variant alleles.
Comment: HMGCS2: BP4, BP7, BS2

Mayo Clinic Laboratories, Mayo Clinic
Classification: Benign. Last evaluated: 2024-03-18. Review status: criteria provided, single submitter. Criteria: ACMG Guidelines, 2015. Collection method: clinical testing. Allele origin: germline. Observed: 4 variant alleles.
Comment: BA1, BP4, BP7

ARUP Laboratories, Molecular Genetics and Genomics, ARUP Laboratories
Classification: Benign for 3-hydroxy-3-methylglutaryl-CoA synthase deficiency. Last evaluated: 2023-11-03. Review status: criteria provided, single submitter. Criteria: ARUP Molecular Germline Variant Investigation Process 2024. Collection method: clinical testing. Allele origin: germline.

Illumina Laboratory Services, Illumina
Classification: Likely benign for 3-hydroxy-3-methylglutaryl-CoA synthase deficiency. Last evaluated: 2018-01-12. Review status: criteria provided, single submitter. Criteria: ICSL Variant Classification Criteria 13 December 2019. Collection method: clinical testing. Allele origin: germline.
Comment: This variant was observed in the ICSL laboratory as part of a predisposition screen in an ostensibly healthy population. It had not been previously curated by ICSL or reported in the Human Gene Mutation Database (HGMD: prior to June 1st, 2018), and was therefore a candidate for classification through an automated scoring system. Utilizing variant allele frequency, disease prevalence and penetrance estimates, and inheritance mode, an automated score was calculated to assess if this variant is too frequent to cause the disease. Based on the score and internal cut-off values, a variant classified as likely benign is not then subjected to further curation. The score for this variant resulted in a classification of likely benign for this disease.

Eurofins Ntd Llc (ga)
Classification: Benign. Last evaluated: 2017-01-05. Review status: criteria provided, single submitter. Criteria: EGL Classification Definitions 2015. Collection method: clinical testing. Allele origin: germline. Observed: 1 variant allele, 1 heterozygote.

GeneDx
Classification: Benign. Last evaluated: 2015-03-03. Review status: criteria provided, single submitter. Criteria: GeneDx Variant Classification Process June 2021. Collection method: clinical testing. Allele origin: germline. Affected: yes.

NM_005518.4(HMGCS2):c.858C>T (p.Ser286=)

Gene: HMGCS2 (3-hydroxy-3-methylglutaryl-CoA synthase 2; minus strand). Cytogenetic location: 1p12.
Variant type: single nucleotide variant.
Coding change: c.858C>T on transcript NM_005518.4 (MANE Select); coding-DNA position 858, C replaced by T.
Protein change: p.Ser286=; no amino-acid change (serine 286 retained).
Molecular consequence: synonymous variant.
Genome position (GRCh38, 1-based): chr1:119,757,431, G>A on the plus strand (C>T on the coding strand, the complement: HMGCS2 is on the minus strand). VCF-style: chr1-119757431-G-A. GRCh37 (hg19) VCF-style: chr1-120300054-G-A.
Other names: p.Ser286=; c.732C>T, p.Ser244= (NM_001166107.1).
Identifiers: ClinVar variation 292334 (VCV000292334.47), dbSNP rs1992376, ClinGen allele CA1037749.